The following is an entry in ClinVar:

ClinVar aggregate classification (germline): Uncertain significance. Review status: criteria provided, multiple submitters, no conflicts (2 of 4 stars). 4 submissions from 4 submitters: Uncertain significance (4). Last evaluated 2025-10-27.

Conditions:
Atrial fibrillation, familial, 18 (ATFB18). Identifiers: MedGen C4310636, MONDO:0015001, OMIM 617280.

Allele frequency attached by ClinVar (database versions not stated): gnomAD exomes 0.00002; ExAC 0.00003; gnomAD 0.00006; ESP Exome Variant Server 0.00008; TOPMed 0.00011.
gnomAD v4.1: 71 of 1,613,862 alleles (0.0044%); highest among the groups gnomAD compares: African/African-American, 0.02%; no homozygotes.

Submissions (4):

Labcorp Genetics (formerly Invitae), Labcorp
Classification: Uncertain significance for Atrial fibrillation, familial, 18. Last evaluated: 2025-10-27. Review status: criteria provided, single submitter. Criteria: Invitae Variant Classification Sherloc (09022015). Collection method: clinical testing. Allele origin: germline.
Comment: This sequence change replaces arginine, which is basic and polar, with histidine, which is basic and polar, at codon 96 of the MYL4 protein (p.Arg96His). This variant is present in population databases (rs146980908, gnomAD 0.01%). This variant has not been reported in the literature in individuals affected with MYL4-related conditions. ClinVar contains an entry for this variant (Variation ID: 857349). An algorithm developed to predict the effect of missense changes on protein structure and function (PolyPhen-2) suggests that this variant is likely to be tolerated. In summary, the available evidence is currently insufficient to determine the role of this variant in disease. Therefore, it has been classified as a Variant of Uncertain Significance.

Ambry Genetics
Classification: Uncertain significance. Last evaluated: 2024-05-28. Review status: criteria provided, single submitter. Criteria: Ambry Variant Classification Scheme 2023. Collection method: clinical testing. Allele origin: germline.

Blueprint Genetics
Classification: Uncertain significance. Last evaluated: 2019-01-16. Review status: criteria provided, single submitter. Criteria: ACMG Guidelines, 2015. Collection method: clinical testing. Allele origin: germline.

Juno Genomics, Hangzhou Juno Genomics, Inc
Classification: Uncertain significance for Atrial fibrillation, familial, 18. Review status: criteria provided, single submitter. Criteria: ACMG Guidelines, 2015. Collection method: clinical testing. Allele origin: germline.
Comment: Absent from controls (or at extremely low frequency if recessive) in Genome Aggregation Database.;The prevalence of the variant in affected individuals is significantly increased compared to the prevalence in controls.

NM_002476.2(MYL4):c.287G>A (p.Arg96His)

Gene: MYL4 (myosin light chain 4; plus strand). Cytogenetic location: 17q21.32.
Variant type: single nucleotide variant.
Coding change: c.287G>A on transcript NM_002476.2 (MANE Select); coding-DNA position 287, G replaced by A.
Protein change: p.Arg96His; replaces arginine 96 with histidine.
Molecular consequence: missense variant.
Genome position (GRCh38, 1-based): chr17:47,220,027, G>A. VCF-style: chr17-47220027-G-A. GRCh37 (hg19) VCF-style: chr17-45297393-G-A.
Other names: c.287G>A, p.Arg96His (NM_001002841.2); short protein forms R96H.
Identifiers: ClinVar variation 857349 (VCV000857349.12), dbSNP rs146980908, ClinGen allele CA8622697.